The following is an entry in ClinVar:

NM_001042492.3(NF1):c.4275G>A (p.Gly1425=)

Gene: NF1 (neurofibromin 1; plus strand). Cytogenetic location: 17q11.2.
Variant type: single nucleotide variant.
Coding change: c.4275G>A on transcript NM_001042492.3 (MANE Select); coding-DNA position 4275, G replaced by A.
Protein change: p.Gly1425=; no amino-acid change (glycine 1425 retained).
Molecular consequence: synonymous variant.
Genome position (GRCh38, 1-based): chr17:31,258,445, G>A. VCF-style: chr17-31258445-G-A. GRCh37 (hg19) VCF-style: chr17-29585463-G-A.
Other names: c.4212G>A, p.Gly1404= (NM_000267.4).
Identifiers: ClinVar variation 485934 (VCV000485934.13), dbSNP rs1555618548, ClinGen allele CA499233493.

ClinVar aggregate classification (germline): Benign/Likely benign. Review status: criteria provided, multiple submitters, no conflicts (2 of 4 stars). 4 submissions from 4 submitters: Benign (1); Likely benign (3). Last evaluated 2026-05-19.

Conditions:
Hereditary cancer-predisposing syndrome. Also called: Hereditary neoplastic syndrome; Neoplastic Syndromes, Hereditary; Hereditary Cancer Syndrome; Tumor predisposition. Identifiers: Orphanet 140162, MedGen C0027672, MeSH D009386, MONDO:0015356.
Cardiovascular phenotype. Identifiers: MedGen CN230736.
Neurofibromatosis, type 1 (NF1). Also called: Peripheral type neurofibromatosis; Neurofibromatosis, type I; VON RECKLINGHAUSEN DISEASE; NEUROFIBROMATOSIS, TYPE I, SOMATIC. Identifiers: Orphanet 636, MedGen C0027831, MONDO:0018975, OMIM 162200. Disease mechanism: loss of function.

Submissions (4):

Myriad Genetics, Inc.
Classification: Benign for Neurofibromatosis, type 1. Last evaluated: 2026-05-19. Review status: criteria provided, single submitter. Criteria: Myriad Autosomal Dominant, Autosomal Recessive and X-Linked Classification Criteria (2023). Collection method: clinical testing. Allele origin: unknown.
Comment: This variant is considered benign. This variant is a silent/synonymous amino acid change and it is not expected to impact splicing.

Labcorp Genetics (formerly Invitae), Labcorp
Classification: Likely benign for Neurofibromatosis, type 1. Last evaluated: 2025-10-20. Review status: criteria provided, single submitter. Criteria: Invitae Variant Classification Sherloc (09022015). Collection method: clinical testing. Allele origin: germline.

Genome-Nilou Lab
Classification: Likely benign for Neurofibromatosis, type 1. Last evaluated: 2022-03-15. Review status: criteria provided, single submitter. Criteria: ACMG Guidelines, 2015. Collection method: clinical testing. Allele origin: germline. Affected: no.

Ambry Genetics
Classification: Likely benign for Cardiovascular phenotype; Hereditary cancer-predisposing syndrome. Last evaluated: 2016-07-11. Review status: criteria provided, single submitter. Criteria: Ambry Variant Classification Scheme 2023. Collection method: clinical testing. Allele origin: germline.